The following is an entry in ClinVar:

NM_002458.3(MUC5B):c.9850A>G (p.Thr3284Ala)

Genes: MUC5B (mucin 5B, oligomeric mucus/gel-forming; plus strand), MUC5B-AS1 (MUC5B antisense RNA 1; minus strand). Cytogenetic location: 11p15.5.
Variant type: single nucleotide variant.
Coding change: c.9850A>G on transcript NM_002458.3 (MANE Select); coding-DNA position 9850, A replaced by G.
Protein change: p.Thr3284Ala; replaces threonine 3284 with alanine.
Molecular consequence: missense variant.
Genome position (GRCh38, 1-based): chr11:1,246,730, A>G. VCF-style: chr11-1246730-A-G. GRCh37 (hg19) VCF-style: chr11-1267960-A-G.
Other names: short protein forms T3284A.
Identifiers: ClinVar variation 403159 (VCV000403159.7), dbSNP rs2943531, ClinGen allele CA5807156.

ClinVar aggregate classification (germline): Benign. Review status: criteria provided, multiple submitters, no conflicts (2 of 4 stars). 3 submissions from 3 submitters: Benign (3). Last evaluated 2018-11-12.

Allele frequency attached by ClinVar (database versions not stated): ESP Exome Variant Server 0.67401; gnomAD exomes 0.75447; gnomAD 0.81397 and 0.81488; TOPMed 0.82635; 1000 Genomes Project 30x 0.87929.
gnomAD v4.1: 1,211,578 of 1,591,676 alleles (76%); highest among the groups gnomAD compares: East Asian, 98%; 475,772 homozygotes.

Submissions (3):

GeneDx
Classification: Benign. Last evaluated: 2018-11-12. Review status: criteria provided, single submitter. Criteria: GeneDx Variant Classification Process June 2021. Collection method: clinical testing. Allele origin: germline. Affected: yes.

Laboratory for Molecular Medicine, Mass General Brigham Personalized Medicine
Classification: Benign. Last evaluated: 2016-03-28. Review status: criteria provided, single submitter. Criteria: LMM Criteria. Collection method: clinical testing. Allele origin: germline.
Comment: Variant identified in a genome or exome case(s) and assessed due to predicted null impact of the variant or pathogenic assertions in the literature or databases. Disclaimer: This variant has not undergone full assessment. The following are preliminary notes: Frequency

Breakthrough Genomics
Classification: Benign. Review status: criteria provided, single submitter. Criteria: ACMG Guidelines, 2015. Collection method: not provided. Allele origin: germline. Inheritance: Autosomal dominant inheritance. Affected: yes.